The following is an entry in ClinVar:

ClinVar aggregate classification (germline): Uncertain significance (1 of 4 stars; one submission).

Submission:

Ambry Genetics
Classification: Uncertain significance. Last evaluated: 2026-01-13. Review status: criteria provided, single submitter. Criteria: Ambry Variant Classification Scheme 2023. Collection method: clinical testing. Allele origin: germline.
Comment: The p.S822G variant (also known as c.2464A>G), located in coding exon 1 of the MLH3 gene, results from an A to G substitution at nucleotide position 2464. The serine at codon 822 is replaced by glycine, an amino acid with similar properties. This amino acid position is conserved. In addition, this alteration is predicted to be tolerated by in silico analysis. Based on the available evidence, the clinical significance of this variant remains unclear.

NM_001040108.2(MLH3):c.2464A>G (p.Ser822Gly)

Gene: MLH3 (mutL homolog 3; minus strand). Cytogenetic location: 14q24.3.
Variant type: single nucleotide variant.
Coding change: c.2464A>G on transcript NM_001040108.2 (MANE Select); coding-DNA position 2464, A replaced by G.
Protein change: p.Ser822Gly; replaces serine 822 with glycine.
Molecular consequence: missense variant.
Genome position (GRCh38, 1-based): chr14:75,047,192, T>C on the plus strand (A>G on the coding strand, the complement: MLH3 is on the minus strand). VCF-style: chr14-75047192-T-C. GRCh37 (hg19) VCF-style: chr14-75513895-T-C.
Other names: c.2464A>G, p.Ser822Gly (NM_014381.3); short protein forms S822G.
Identifiers: ClinVar variation 4841842 (VCV004841842.1).